The following is an entry in ClinVar:

ClinVar aggregate classification (germline): Uncertain significance. Review status: criteria provided, multiple submitters, no conflicts (2 of 4 stars). 2 submissions from 2 submitters: Uncertain significance (2). Last evaluated 2025-12-04.

Conditions:
Inborn genetic diseases. Identifiers: MedGen C0950123, MeSH D030342.

Allele frequency attached by ClinVar (database versions not stated): gnomAD 0.00001; gnomAD exomes 0.00006; ExAC 0.00012; 1000 Genomes Project 30x 0.00016; 1000 Genomes Project 0.00020.
gnomAD v4.1: 94 of 1,613,984 alleles (0.0058%); highest among the groups gnomAD compares: South Asian, 0.098%; 4 homozygotes.

Submissions (2):

Ambry Genetics
Classification: Uncertain significance for Inborn genetic diseases. Last evaluated: 2025-12-04. Review status: criteria provided, single submitter. Criteria: Ambry Variant Classification Scheme 2023. Collection method: clinical testing. Allele origin: germline.

Labcorp Genetics (formerly Invitae), Labcorp
Classification: Uncertain significance. Last evaluated: 2022-03-29. Review status: criteria provided, single submitter. Criteria: Invitae Variant Classification Sherloc (09022015). Collection method: clinical testing. Allele origin: germline.
Comment: This sequence change replaces alanine, which is neutral and non-polar, with threonine, which is neutral and polar, at codon 622 of the TOP3A protein (p.Ala622Thr). In summary, the available evidence is currently insufficient to determine the role of this variant in disease. Therefore, it has been classified as a Variant of Uncertain Significance. Algorithms developed to predict the effect of missense changes on protein structure and function are either unavailable or do not agree on the potential impact of this missense change (SIFT: "Not Available"; PolyPhen-2: "Benign"; Align-GVGD: "Not Available"). This variant has not been reported in the literature in individuals affected with TOP3A-related conditions. This variant is present in population databases (rs543109098, gnomAD 0.1%), including at least one homozygous and/or hemizygous individual.

NM_004618.5(TOP3A):c.1864G>A (p.Ala622Thr)

Gene: TOP3A (DNA topoisomerase III alpha; minus strand). Cytogenetic location: 17p11.2.
Variant type: single nucleotide variant.
Coding change: c.1864G>A on transcript NM_004618.5 (MANE Select); coding-DNA position 1864, G replaced by A.
Protein change: p.Ala622Thr; replaces alanine 622 with threonine.
Molecular consequence: missense variant.
Genome position (GRCh38, 1-based): chr17:18,285,155, C>T on the plus strand (G>A on the coding strand, the complement: TOP3A is on the minus strand). VCF-style: chr17-18285155-C-T. GRCh37 (hg19) VCF-style: chr17-18188469-C-T.
Other names: c.1864G>A (NM_004618.3); c.1579G>A, p.Ala527Thr (NM_001320759.2); short protein forms A527T, A622T.
Identifiers: ClinVar variation 1989523 (VCV001989523.5), dbSNP rs543109098, ClinGen allele CA8429768.